The following is an entry in ClinVar:

NM_006940.6(SOX5):c.2028G>A (p.Val676=)

Gene: SOX5 (SRY-box transcription factor 5; minus strand). Cytogenetic location: 12p12.1.
Variant type: single nucleotide variant.
Coding change: c.2028G>A on transcript NM_006940.6 (MANE Select); coding-DNA position 2028, G replaced by A.
Protein change: p.Val676=; no amino-acid change (valine 676 retained).
Molecular consequence: synonymous variant.
Genome position (GRCh38, 1-based): chr12:23,534,483, C>T on the plus strand (G>A on the coding strand, the complement: SOX5 is on the minus strand). VCF-style: chr12-23534483-C-T. GRCh37 (hg19) VCF-style: chr12-23687417-C-T.
Other names: c.1665G>A, p.Val555= (NM_001261414.3); c.1998G>A, p.Val666= (NM_001261415.3); c.1923G>A, p.Val641= (NM_001330785.2); c.1989G>A, p.Val663= (NM_152989.5); c.870G>A, p.Val290= (NM_178010.4).
Identifiers: ClinVar variation 746099 (VCV000746099.33), dbSNP rs141581669, ClinGen allele CA6483928.

ClinVar aggregate classification (germline): Likely benign. Review status: criteria provided, multiple submitters, no conflicts (2 of 4 stars). 2 submissions from 2 submitters: Likely benign (2). Last evaluated 2023-03-01.

Allele frequency attached by ClinVar (database versions not stated): ExAC 0.00007; gnomAD exomes 0.00011 and 0.00035; gnomAD 0.00015 and 0.00016; TOPMed 0.00017; ESP Exome Variant Server 0.00046.
gnomAD v4.1: 543 of 1,613,654 alleles (0.034%); highest among the groups gnomAD compares: Non-Finnish European, 0.042%; no homozygotes.

Submissions (2):

CeGaT Center for Human Genetics Tuebingen
Classification: Likely benign. Last evaluated: 2023-03-01. Review status: criteria provided, single submitter. Criteria: CeGaT Center For Human Genetics Tuebingen Variant Classification Criteria Version 2. Collection method: clinical testing. Allele origin: germline. Affected: yes. Observed: 2 variant alleles.
Comment: SOX5: BP4, BP7

Labcorp Genetics (formerly Invitae), Labcorp
Classification: Likely benign. Last evaluated: 2019-12-31. Review status: criteria provided, single submitter. Criteria: Invitae Variant Classification Sherloc (09022015). Collection method: clinical testing. Allele origin: germline.